The following is an entry in ClinVar:

NM_001365276.2(TNXB):c.2189A>C (p.His730Pro)

Gene: TNXB (tenascin XB; minus strand). Cytogenetic location: 6p21.33.
Variant type: single nucleotide variant.
Coding change: c.2189A>C on transcript NM_001365276.2 (MANE Select); coding-DNA position 2189, A replaced by C.
Protein change: p.His730Pro; replaces histidine 730 with proline.
Molecular consequence: missense variant.
Genome position (GRCh38, 1-based): chr6:32,095,664, T>G on the plus strand (A>C on the coding strand, the complement: TNXB is on the minus strand). VCF-style: chr6-32095664-T-G. GRCh37 (hg19) VCF-style: chr6-32063441-T-G.
Other names: c.2189A>C, p.His730Pro (NM_019105.8); short protein forms H730P.
Identifiers: ClinVar variation 1787371 (VCV001787371.2), dbSNP rs2483749502, ClinGen allele CA363471307.
Genomic context (GRCh38, chr6:32,095,664, plus strand): 5'-TGCTCACCTTCTCCGCAGTCTTCGCCAGCATACCCATCTTTGCAGACACAGCTGCCATCG[T>G]GACACTCTCCTCGGCCACGGCAGTCCCCTGGGCATGTCTGGATGGCACAGTCAGGGCCTC-3'
Protein context (NP_001352205.1, residues 720-740): PGDCRGRGEC[His730Pro]DGSCVCKDGY

ClinVar aggregate classification (germline): Uncertain significance (1 of 4 stars; one submission).

Conditions:
Cardiovascular phenotype. Identifiers: MedGen CN230736.

Submission:

Ambry Genetics
Classification: Uncertain significance for Cardiovascular phenotype. Last evaluated: 2021-07-15. Review status: criteria provided, single submitter. Criteria: Ambry Variant Classification Scheme 2023. Collection method: clinical testing. Allele origin: germline.
Comment: The p.H730P variant (also known as c.2189A>C), located in coding exon 2 of the TNXB gene, results from an A to C substitution at nucleotide position 2189. The histidine at codon 730 is replaced by proline, an amino acid with similar properties. This amino acid position is conserved. In addition, this alteration is predicted to be tolerated by in silico analysis. Since supporting evidence is limited at this time, the clinical significance of this alteration remains unclear.